The following is an entry in ClinVar:

ClinVar aggregate classification (germline): Uncertain significance (1 of 4 stars; one submission).

Submission:

Labcorp Genetics (formerly Invitae), Labcorp
Classification: Uncertain significance. Last evaluated: 2024-04-09. Review status: criteria provided, single submitter. Criteria: Invitae Variant Classification Sherloc (09022015). Collection method: clinical testing. Allele origin: germline.
Comment: This sequence change replaces serine, which is neutral and polar, with cysteine, which is neutral and slightly polar, at codon 2 of the MAP3K7 protein (p.Ser2Cys). This variant is not present in population databases (gnomAD no frequency). This variant has not been reported in the literature in individuals affected with MAP3K7-related conditions. Experimental studies and prediction algorithms are not available or were not evaluated, and the functional significance of this variant is currently unknown. In summary, the available evidence is currently insufficient to determine the role of this variant in disease. Therefore, it has been classified as a Variant of Uncertain Significance.

NM_145331.3(MAP3K7):c.5C>G (p.Ser2Cys)

Gene: MAP3K7 (mitogen-activated protein kinase kinase kinase 7; minus strand). Cytogenetic location: 6q15.
Variant type: single nucleotide variant.
Coding change: c.5C>G on transcript NM_145331.3 (MANE Select); coding-DNA position 5, C replaced by G.
Protein change: p.Ser2Cys; replaces serine 2 with cysteine.
Molecular consequence: missense variant.
Genome position (GRCh38, 1-based): chr6:90,586,879, G>C on the plus strand (C>G on the coding strand, the complement: MAP3K7 is on the minus strand). VCF-style: chr6-90586879-G-C. GRCh37 (hg19) VCF-style: chr6-91296598-G-C.
Other names: c.5C>G, p.Ser2Cys (NM_003188.4, NM_145332.3, NM_145333.3); short protein forms S2C.
Identifiers: ClinVar variation 3649363 (VCV003649363.2).
Genomic context (GRCh38, chr6:90,586,879, plus strand): 5'-GGGGCTTCGATCATCTCACCGGCCGAAGACGAGGAGGAGGAGGAGGCGGCAGAGGCTGTA[G>C]ACATGATCCCTCGCGGCGCCCGGTGGGGCCGGGAACGGTGCCACCCGGACAATCCGGGTG-3'
Protein context (NP_663304.1, residues 1-12): M[Ser2Cys]TASAASSSSS